The following is an entry in ClinVar:

NM_001267550.2(TTN):c.20182A>C (p.Asn6728His)

Genes: TTN (titin; minus strand), LOC126806429 (BRD4-independent group 4 enhancer GRCh37_chr2:179591393-179592592; plus strand). Cytogenetic location: 2q31.2.
Variant type: single nucleotide variant.
Coding change: c.20182A>C on transcript NM_001267550.2 (MANE Select); coding-DNA position 20182, A replaced by C.
Protein change: p.Asn6728His; replaces asparagine 6728 with histidine.
Molecular consequence: missense variant. On other transcripts: intron variant (3).
Genome position (GRCh38, 1-based): chr2:178,727,183, T>G on the plus strand (A>C on the coding strand, the complement: TTN is on the minus strand). VCF-style: chr2-178727183-T-G. GRCh37 (hg19) VCF-style: chr2-179591910-T-G.
Other names: c.19231A>C, p.Asn6411His (NM_001256850.1); c.16450A>C, p.Asn5484His (NM_133378.4); c.13282+10899A>C (NM_003319.4); c.13858+10899A>C (NM_133437.4); c.13657+10899A>C (NM_133432.3); short protein forms N5484H, N6411H, N6728H.
Identifiers: ClinVar variation 3361932 (VCV003361932.1).

ClinVar aggregate classification (germline): Uncertain significance (1 of 4 stars; one submission).

gnomAD v4.1: 7 of 1,613,290 alleles (0.00043%); highest among the groups gnomAD compares: Non-Finnish European, 0.00051%; no homozygotes.

Submission:

GeneDx
Classification: Uncertain significance. Last evaluated: 2024-04-01. Review status: criteria provided, single submitter. Criteria: GeneDx Variant Classification Process June 2021. Collection method: clinical testing. Allele origin: germline. Affected: yes.
Comment: Not observed at significant frequency in large population cohorts (gnomAD); Missense variant in a gene in which most reported pathogenic variants are truncating/loss of function; Has not been previously published as pathogenic or benign to our knowledge